The following is an entry in ClinVar:

ClinVar aggregate classification (germline): Uncertain significance. Review status: criteria provided, multiple submitters, no conflicts (2 of 4 stars). 4 submissions from 4 submitters: Uncertain significance (3). 1 of the submissions does not count toward it. Last evaluated 2024-10-22.

Conditions:
Brugada syndrome. Also called: Sudden Unexplained Death Syndrome; Sudden Unexplained Nocturnal Death Syndrome (SUNDS); Sudden unexpected nocturnal death syndrome; Sudden unexplained nocturnal death syndrome. Identifiers: Orphanet 130, MedGen C1142166, MONDO:0015263.
Cardiovascular phenotype. Identifiers: MedGen CN230736.
Wolff-Parkinson-White pattern. Also called: WPW SYNDROME; Auriculoventricular accessory pathway syndrome; False bundle branch block syndrome; Anomalous ventricular excitation syndrome. Identifiers: MedGen C0043202, MONDO:0008685, OMIM 194200, HP:0001716.
Brugada syndrome 2 (BRGDA2). Identifiers: Orphanet 130, MedGen C2673193, MONDO:0012728, OMIM 611777.

Allele frequency attached by ClinVar (database versions not stated): gnomAD exomes 0.00001; ExAC 0.00002; TOPMed 0.00002; gnomAD 0.00003; ESP Exome Variant Server 0.00008.
gnomAD v4.1: 14 of 1,613,858 alleles (0.00087%); highest among the groups gnomAD compares: East Asian, 0.0022%; no homozygotes.

Submissions (4):

Labcorp Genetics (formerly Invitae), Labcorp
Classification: Uncertain significance for Brugada syndrome. Last evaluated: 2024-10-22. Review status: criteria provided, single submitter. Criteria: Invitae Variant Classification Sherloc (09022015). Collection method: clinical testing. Allele origin: germline.
Comment: This sequence change replaces glycine, which is neutral and non-polar, with arginine, which is basic and polar, at codon 259 of the GPD1L protein (p.Gly259Arg). This variant is present in population databases (rs146477959, gnomAD 0.002%). This variant has not been reported in the literature in individuals affected with GPD1L-related conditions. ClinVar contains an entry for this variant (Variation ID: 487599). Invitae Evidence Modeling of protein sequence and biophysical properties (such as structural, functional, and spatial information, amino acid conservation, physicochemical variation, residue mobility, and thermodynamic stability) indicates that this missense variant is expected to disrupt GPD1L protein function with a positive predictive value of 80%. In summary, the available evidence is currently insufficient to determine the role of this variant in disease. Therefore, it has been classified as a Variant of Uncertain Significance.

Ambry Genetics
Classification: Uncertain significance for Cardiovascular phenotype. Last evaluated: 2022-07-11. Review status: criteria provided, single submitter. Criteria: Ambry Variant Classification Scheme 2023. Collection method: clinical testing. Allele origin: germline.
Comment: The p.G259R variant (also known as c.775G>A), located in coding exon 6 of the GPD1L gene, results from a G to A substitution at nucleotide position 775. The glycine at codon 259 is replaced by arginine, an amino acid with dissimilar properties. This amino acid position is highly conserved in available vertebrate species. In addition, this alteration is predicted to be deleterious by in silico analysis. The evidence for this gene-disease relationship is limited; therefore, the clinical significance of this alteration is unclear.

Fulgent Genetics
Classification: Uncertain significance for Brugada syndrome 2. Last evaluated: 2021-10-25. Review status: criteria provided, single submitter. Criteria: ACMG Guidelines, 2015. Collection method: clinical testing. Allele origin: unknown.

Lupski Lab, Baylor-Hopkins CMG, Baylor College of Medicine
Classification: Uncertain significance for Wolff-Parkinson-White pattern. Last evaluated: 2017-07-14. Review status: no assertion criteria provided. Collection method: research. Allele origin: unknown. Affected: yes. Observed: 1 variant allele. Study: Candidate_variants_in_patients_with_ Wolff-Parkinson-White Syndrome. Not counted in ClinVar's aggregate classification.

NM_015141.4(GPD1L):c.775G>A (p.Gly259Arg)

Gene: GPD1L (glycerol-3-phosphate dehydrogenase 1 like; plus strand). Cytogenetic location: 3p22.3.
Variant type: single nucleotide variant.
Coding change: c.775G>A on transcript NM_015141.4 (MANE Select); coding-DNA position 775, G replaced by A.
Protein change: p.Gly259Arg; replaces glycine 259 with arginine.
Molecular consequence: missense variant.
Genome position (GRCh38, 1-based): chr3:32,159,032, G>A. VCF-style: chr3-32159032-G-A. GRCh37 (hg19) VCF-style: chr3-32200524-G-A.
Other names: short protein forms G259R.
Identifiers: ClinVar variation 487599 (VCV000487599.9), dbSNP rs146477959, ClinGen allele CA2296740.